The following is an entry in ClinVar:

NM_024996.7(GFM1):c.16G>C (p.Ala6Pro)

Gene: GFM1 (G elongation factor mitochondrial 1; plus strand). Cytogenetic location: 3q25.32.
Variant type: single nucleotide variant.
Coding change: c.16G>C on transcript NM_024996.7 (MANE Select); coding-DNA position 16, G replaced by C.
Protein change: p.Ala6Pro; replaces alanine 6 with proline.
Molecular consequence: missense variant. On other transcripts: 5 prime UTR variant (4), non-coding transcript variant (4).
Genome position (GRCh38, 1-based): chr3:158,644,650, G>C. VCF-style: chr3-158644650-G-C. GRCh37 (hg19) VCF-style: chr3-158362439-G-C.
Other names: p.A6P:GCT>CCT; c.16G>C, p.Ala6Pro (NM_001308164.2, NM_001308166.2, NM_001374355.1 and 2 more transcripts); c.-376G>C (NM_001374357.1); c.-214G>C (NM_001374359.1, NM_001374360.1, NM_001374361.1); short protein forms A6P.
Identifiers: ClinVar variation 214494 (VCV000214494.2), dbSNP rs863224031, ClinGen allele CA320591.
Genomic context (GRCh38, chr3:158,644,650, plus strand): 5'-ACCCACCCGGCGCCACGGGACTTTGACGCGTGCTCTGCGCTTGCCATGAGACTCCTGGGA[G>C]CTGCAGCCGTCGCGGCTCTGGGGCGCGGAAGGGCCCCCGCCTCCCTAGGCTGGCAGAGGA-3'
Protein context (NP_079272.4, residues 1-16): MRLLG[Ala6Pro]AAVAALGRGR

ClinVar aggregate classification (germline): Uncertain significance (1 of 4 stars; one submission).

Submission:

GeneDx
Classification: Uncertain significance. Last evaluated: 2014-09-15. Review status: criteria provided, single submitter. Criteria: GeneDx Variant Classification (06012015). Collection method: clinical testing. Allele origin: germline. Affected: yes.
Comment: p.Ala6Pro (GCT>CCT): c.16 G>C in exon 1 of the GFM1 gene (NM_024996.5). The A6P variant has not been published as a mutation, nor has it been reported as a benign polymorphism to our knowledge. The A6P variant is a semi-conservative amino acid substitution, which may impact secondary protein structure as these residues differ in some properties. This substitution occurs at a position that is not conserved across species and in silico analysis is inconsistent in its predictions as to whether or not the variant is damaging to the protein structure/function. Therefore, based on the currently available information, it is unclear whether this variant is a pathogenic mutation or a rare benign variant. The variant is found in MITONUC-MITOP panel(s).